The following is an entry in ClinVar:

NC_000007.14:g.(?_66086565)_(66092932_?)dup

Gene: ASL (argininosuccinate lyase; plus strand). Cytogenetic location: 7q11.21.
Variant type: Duplication.
Identifiers: ClinVar variation 830513 (VCV000830513.1).

ClinVar aggregate classification (germline): Uncertain significance (1 of 4 stars; one submission).

Conditions:
Argininosuccinate lyase deficiency. Also called: ARGININOSUCCINIC ACID LYASE DEFICIENCY; ASL DEFICIENCY; Argininosuccinic aciduria. Identifiers: Orphanet 23, MedGen C0268547, MONDO:0008815, OMIM 207900, HP:0025630.

Submission:

Labcorp Genetics (formerly Invitae), Labcorp
Classification: Uncertain significance for Argininosuccinate lyase deficiency. Last evaluated: 2019-07-31. Review status: criteria provided, single submitter. Criteria: Invitae Variant Classification Sherloc (09022015). Collection method: clinical testing. Allele origin: germline.
Comment: This variant results in a copy number gain of the genomic region encompassing exons 7-17 of the ASL gene. The 5' boundary is likely confined to intron 6. The 3' end of this event is unknown as it extends beyond the assayed region for this gene and therefore may encompass additional genes. As the precise location of this event is unknown, it may be in tandem or it may be located elsewhere in the genome. This variant has not been reported in the literature in individuals with ASL-related conditions. Experimental studies and prediction algorithms are not available or were not evaluated for this variant, and the functional significance of the affected amino acid(s) is currently unknown. In summary, the available evidence is currently insufficient to determine the role of this variant in disease. Therefore, it has been classified as a Variant of Uncertain Significance.